The following is an entry in ClinVar:

ClinVar aggregate classification (germline): Uncertain significance. Review status: criteria provided, multiple submitters, no conflicts (2 of 4 stars). 2 submissions from 2 submitters: Uncertain significance (2). Last evaluated 2022-07-06.

Conditions:
Short-rib thoracic dysplasia 14 with polydactyly (SRTD14). Identifiers: Orphanet 397715, MedGen C4225286, MONDO:0014688, OMIM 616546.
Joubert syndrome 23 (JBTS23). Identifiers: Orphanet 475, MedGen C4084822, MONDO:0014664, OMIM 616490.

Allele frequency attached by ClinVar (database versions not stated): gnomAD 0.00001.
gnomAD v4.1: 2 of 1,610,106 alleles (0.00012%); highest among the groups gnomAD compares: South Asian, 0.0022%; no homozygotes.

Submissions (2):

Labcorp Genetics (formerly Invitae), Labcorp
Classification: Uncertain significance for Joubert syndrome 23; Short-rib thoracic dysplasia 14 with polydactyly. Last evaluated: 2022-07-06. Review status: criteria provided, single submitter. Criteria: Invitae Variant Classification Sherloc (09022015). Collection method: clinical testing. Allele origin: germline.
Comment: In summary, the available evidence is currently insufficient to determine the role of this variant in disease. Therefore, it has been classified as a Variant of Uncertain Significance. Algorithms developed to predict the effect of missense changes on protein structure and function are either unavailable or do not agree on the potential impact of this missense change (SIFT: "Deleterious"; PolyPhen-2: "Probably Damaging"; Align-GVGD: "Class C0"). This variant has not been reported in the literature in individuals affected with KIAA0586-related conditions. This variant is not present in population databases (gnomAD no frequency). This sequence change replaces serine, which is neutral and polar, with cysteine, which is neutral and slightly polar, at codon 724 of the KIAA0586 protein (p.Ser724Cys).

Revvity Omics, Revvity
Classification: Uncertain significance. Last evaluated: 2020-06-19. Review status: criteria provided, single submitter. Criteria: ACMG Guidelines, 2015. Collection method: clinical testing. Allele origin: germline.

NM_001329943.3(KIAA0586):c.2012C>G (p.Ser671Cys)

Gene: KIAA0586 (KIAA0586; plus strand). Cytogenetic location: 14q23.1.
Variant type: single nucleotide variant.
Coding change: c.2012C>G on transcript NM_001329943.3 (MANE Select); coding-DNA position 2012, C replaced by G.
Protein change: p.Ser671Cys; replaces serine 671 with cysteine.
Molecular consequence: missense variant.
Genome position (GRCh38, 1-based): chr14:58,461,113, C>G. VCF-style: chr14-58461113-C-G. GRCh37 (hg19) VCF-style: chr14-58927831-C-G.
Other names: c.2171C>G, p.Ser724Cys (NM_001244189.2); c.1967C>G, p.Ser656Cys (NM_001244190.2); c.1757C>G, p.Ser586Cys (NM_001244191.2, NM_001329945.2, NM_001364700.1 and 1 more transcripts); c.1880C>G, p.Ser627Cys (NM_001244192.2); c.1592C>G, p.Ser531Cys (NM_001244193.2); c.2012C>G, p.Ser671Cys (NM_001329944.2, NM_001329946.2, NM_001329947.2); c.1784C>G, p.Ser595Cys (NM_014749.5); short protein forms S656C, S671C, S531C, S586C, S627C, S595C, S724C.
Identifiers: ClinVar variation 1932708 (VCV001932708.8), dbSNP rs763633519, ClinGen allele CA389872911.